The following is an entry in ClinVar:

ClinVar aggregate classification (germline): Uncertain significance. Review status: criteria provided, multiple submitters, no conflicts (2 of 4 stars). 4 submissions from 4 submitters: Uncertain significance (4). Last evaluated 2024-10-23.

Conditions:
Developmental and epileptic encephalopathy, 18 (DEE18). Also called: Early infantile epileptic encephalopathy 18. Identifiers: Orphanet 369894, MedGen C3809624, MONDO:0014201, OMIM 615476.
Inborn genetic diseases. Identifiers: MedGen C0950123, MeSH D030342.

Allele frequency attached by ClinVar (database versions not stated): gnomAD 0.00002 and 0.00003; ExAC 0.00004; gnomAD exomes 0.00004; TOPMed 0.00005.

Submissions (4):

Labcorp Genetics (formerly Invitae), Labcorp
Classification: Uncertain significance. Last evaluated: 2024-10-23. Review status: criteria provided, single submitter. Criteria: Invitae Variant Classification Sherloc (09022015). Collection method: clinical testing. Allele origin: germline.
Comment: This sequence change replaces arginine, which is basic and polar, with glutamine, which is neutral and polar, at codon 3156 of the SZT2 protein (p.Arg3156Gln). This variant is present in population databases (rs763529490, gnomAD 0.03%). This variant has not been reported in the literature in individuals affected with SZT2-related conditions. ClinVar contains an entry for this variant (Variation ID: 947794). Invitae Evidence Modeling of protein sequence and biophysical properties (such as structural, functional, and spatial information, amino acid conservation, physicochemical variation, residue mobility, and thermodynamic stability) has been performed for this missense variant. However, the output from this modeling did not meet the statistical confidence thresholds required to predict the impact of this variant on SZT2 protein function. In summary, the available evidence is currently insufficient to determine the role of this variant in disease. Therefore, it has been classified as a Variant of Uncertain Significance.

Blueprint Genetics
Classification: Uncertain significance. Last evaluated: 2024-06-07. Review status: criteria provided, single submitter. Criteria: ACMG Guidelines, 2015. Collection method: clinical testing. Allele origin: germline.

Genome-Nilou Lab
Classification: Uncertain significance for Developmental and epileptic encephalopathy, 18. Last evaluated: 2023-04-11. Review status: criteria provided, single submitter. Criteria: ACMG Guidelines, 2015. Collection method: clinical testing. Allele origin: germline. Affected: no.

Ambry Genetics
Classification: Uncertain significance for Inborn genetic diseases. Last evaluated: 2019-02-09. Review status: criteria provided, single submitter. Criteria: Ambry Variant Classification Scheme 2023. Collection method: clinical testing. Allele origin: germline.
Comment: The p.R3156Q variant (also known as c.9467G>A), located in coding exon 68 of the SZT2 gene, results from a G to A substitution at nucleotide position 9467. The arginine at codon 3156 is replaced by glutamine, an amino acid with highly similar properties. This amino acid position is not well conserved in available vertebrate species. In addition, this alteration is predicted to be tolerated by in silico analysis. Since supporting evidence is limited at this time, the clinical significance of this alteration remains unclear.

NM_001365999.1(SZT2):c.9638G>A (p.Arg3213Gln)

Genes: SZT2 (SZT2 subunit of KICSTOR complex; plus strand), SZT2-AS1 (SZT2 antisense RNA 1; minus strand). Cytogenetic location: 1p34.2.
Variant type: single nucleotide variant.
Coding change: c.9638G>A on transcript NM_001365999.1 (MANE Select); coding-DNA position 9638, G replaced by A.
Protein change: p.Arg3213Gln; replaces arginine 3213 with glutamine.
Molecular consequence: missense variant. On other transcripts: non-coding transcript variant (1).
Genome position (GRCh38, 1-based): chr1:43,448,153, G>A. VCF-style: chr1-43448153-G-A. GRCh37 (hg19) VCF-style: chr1-43913824-G-A.
Other names: c.9467G>A, p.Arg3156Gln (NM_015284.4); short protein forms R3156Q, R3213Q.
Identifiers: ClinVar variation 947794 (VCV000947794.9), dbSNP rs763529490, ClinGen allele CA810987.